The following is an entry in ClinVar:

ClinVar aggregate classification (germline): Uncertain significance (1 of 4 stars; one submission).

Submission:

Women's Health and Genetics/Laboratory Corporation of America, LabCorp
Classification: Uncertain significance. Last evaluated: 2026-05-12. Review status: criteria provided, single submitter. Criteria: LabCorp Variant Classification Summary - May 2015. Collection method: clinical testing. Allele origin: germline.
Comment: Variant summary: The variant involves the duplication of exons 1-20 in the GAA gene. A presumed nomenclature of c.(?_-343)_(*551_?)dup has been designated for the purposes of this classification. This duplication includes the entire coding sequence of the gene. As exact breakpoints are unknown, it may extend beyond the annotated region of the gene, to include other flanking genes. The variant was absent in 21694 control chromosomes. The available data on variant occurrences in the general population are insufficient to allow any conclusion about variant significance. To our knowledge, no occurrence of c.(?_-343)_(*551_?)dup in individuals affected with GAA-related conditions and no experimental evidence demonstrating its impact on protein function have been reported. ClinVar contains an entry for this variant (Variation ID: 647475). Based on the evidence outlined above, the variant was classified as uncertain significance.

NC_000017.10:g.(?_78075379)_(78093681_?)dup

Gene: GAA (alpha glucosidase; plus strand). Cytogenetic location: 17q25.3.
Variant type: Duplication.
Identifiers: ClinVar variation 4853262 (VCV004853262.1).